The following is an entry in ClinVar:

ClinVar aggregate classification (germline): Uncertain significance. Review status: criteria provided, multiple submitters, no conflicts (2 of 4 stars). 2 submissions from 2 submitters: Uncertain significance (2). Last evaluated 2025-04-15.

Conditions:
Inborn genetic diseases. Identifiers: MedGen C0950123, MeSH D030342.

gnomAD v4.1: 27 of 1,413,414 alleles (0.0019%); highest among the groups gnomAD compares: African/African-American, 0.014%; no homozygotes.

Submissions (2):

Ambry Genetics
Classification: Uncertain significance for Inborn genetic diseases. Last evaluated: 2025-04-15. Review status: criteria provided, single submitter. Criteria: Ambry Variant Classification Scheme 2023. Collection method: clinical testing. Allele origin: germline.

Labcorp Genetics (formerly Invitae), Labcorp
Classification: Uncertain significance. Last evaluated: 2024-01-19. Review status: criteria provided, single submitter. Criteria: Invitae Variant Classification Sherloc (09022015). Collection method: clinical testing. Allele origin: germline.
Comment: This sequence change replaces glycine, which is neutral and non-polar, with alanine, which is neutral and non-polar, at codon 8 of the CLPP protein (p.Gly8Ala). This variant is not present in population databases (gnomAD no frequency). This variant has not been reported in the literature in individuals affected with CLPP-related conditions. ClinVar contains an entry for this variant (Variation ID: 2197967). An algorithm developed to predict the effect of missense changes on protein structure and function (PolyPhen-2) suggests that this variant is likely to be tolerated. In summary, the available evidence is currently insufficient to determine the role of this variant in disease. Therefore, it has been classified as a Variant of Uncertain Significance.

NM_006012.4(CLPP):c.23G>C (p.Gly8Ala)

Gene: CLPP (caseinolytic mitochondrial matrix peptidase proteolytic subunit; plus strand). Cytogenetic location: 19p13.3.
Variant type: single nucleotide variant.
Coding change: c.23G>C on transcript NM_006012.4 (MANE Select); coding-DNA position 23, G replaced by C.
Protein change: p.Gly8Ala; replaces glycine 8 with alanine.
Molecular consequence: missense variant.
Genome position (GRCh38, 1-based): chr19:6,361,597, G>C. VCF-style: chr19-6361597-G-C. GRCh37 (hg19) VCF-style: chr19-6361608-G-C.
Other names: c.23G>C (NM_006012.2); short protein forms G8A.
Identifiers: ClinVar variation 2197967 (VCV002197967.5), dbSNP rs1191663713, ClinGen allele CA403585926.
Genomic context (GRCh38, chr19:6,361,597, plus strand): 5'-CCGCCATCGGACGGAAGCCGACCGGGGCGTGCGGAGGGATGTGGCCCGGAATATTGGTAG[G>C]GGGGGCCCGGGTGGCGTCATGCAGGTACCCCGCGCTGGGGCCTCGCCTCGCCGCTCACTT-3'
Protein context (NP_006003.1, residues 1-18): MWPGILV[Gly8Ala]GARVASCRYP